The following is an entry in ClinVar:

NM_006662.3(SRCAP):c.7208G>A (p.Arg2403Gln)

Gene: SRCAP (Snf2 related CREBBP activator protein; plus strand). Cytogenetic location: 16p11.2.
Variant type: single nucleotide variant.
Coding change: c.7208G>A on transcript NM_006662.3 (MANE Select); coding-DNA position 7208, G replaced by A.
Protein change: p.Arg2403Gln; replaces arginine 2403 with glutamine.
Molecular consequence: missense variant.
Genome position (GRCh38, 1-based): chr16:30,737,248, G>A. VCF-style: chr16-30737248-G-A. GRCh37 (hg19) VCF-style: chr16-30748569-G-A.
Other names: short protein forms R2403Q.
Identifiers: ClinVar variation 2229524 (VCV002229524.2), dbSNP rs2053169578, ClinGen allele CA395632343.

ClinVar aggregate classification (germline): Uncertain significance (1 of 4 stars; one submission).

Conditions:
Inborn genetic diseases. Identifiers: MedGen C0950123, MeSH D030342.

Allele frequency attached by ClinVar (database versions not stated): gnomAD exomes 0.00001.
gnomAD v4.1: 5 of 1,614,010 alleles (0.00031%); highest among the groups gnomAD compares: Non-Finnish European, 0.00042%; no homozygotes.

Submission:

Ambry Genetics
Classification: Uncertain significance for Inborn genetic diseases. Last evaluated: 2021-03-16. Review status: criteria provided, single submitter. Criteria: Ambry Variant Classification Scheme 2023. Collection method: clinical testing. Allele origin: germline.
Comment: The c.7208G>A (p.R2403Q) alteration is located in exon 34 (coding exon 32) of the SRCAP gene. This alteration results from a G to A substitution at nucleotide position 7208, causing the arginine (R) at amino acid position 2403 to be replaced by a glutamine (Q). The p.R2403Q alteration is predicted to be tolerated by in silico analysis. Based on insufficient or conflicting evidence, the clinical significance of this alteration remains unclear.